The following is an entry in ClinVar:

NM_004656.4(BAP1):c.1516C>T (p.Pro506Ser)

Gene: BAP1 (BRCA1 associated deubiquitinase 1; minus strand). Cytogenetic location: 3p21.1.
Variant type: single nucleotide variant.
Coding change: c.1516C>T on transcript NM_004656.4 (MANE Select); coding-DNA position 1516, C replaced by T.
Protein change: p.Pro506Ser; replaces proline 506 with serine.
Molecular consequence: missense variant.
Genome position (GRCh38, 1-based): chr3:52,403,629, G>A on the plus strand (C>T on the coding strand, the complement: BAP1 is on the minus strand). VCF-style: chr3-52403629-G-A. GRCh37 (hg19) VCF-style: chr3-52437645-G-A.
Other names: c.1462C>T, p.Pro488Ser (NM_001410772.1); short protein forms P488S, P506S.
Identifiers: ClinVar variation 1774320 (VCV001774320.2), dbSNP rs2471328507, ClinGen allele CA353100872.

ClinVar aggregate classification (germline): Uncertain significance (1 of 4 stars; one submission).

Conditions:
Hereditary cancer-predisposing syndrome. Also called: Hereditary Cancer Syndrome; Hereditary neoplastic syndrome; Neoplastic Syndromes, Hereditary; Tumor predisposition. Identifiers: Orphanet 140162, MedGen C0027672, MeSH D009386, MONDO:0015356.

Submission:

Ambry Genetics
Classification: Uncertain significance for Hereditary cancer-predisposing syndrome. Last evaluated: 2022-07-20. Review status: criteria provided, single submitter. Criteria: Ambry Variant Classification Scheme 2023. Collection method: clinical testing. Allele origin: germline.
Comment: The p.P506S variant (also known as c.1516C>T), located in coding exon 13 of the BAP1 gene, results from a C to T substitution at nucleotide position 1516. The proline at codon 506 is replaced by serine, an amino acid with similar properties. This amino acid position is conserved. In addition, this alteration is predicted to be deleterious by in silico analysis. Since supporting evidence is limited at this time, the clinical significance of this alteration remains unclear.